The following is an entry in ClinVar:

ClinVar aggregate classification (germline): Likely pathogenic (1 of 4 stars; one submission).

Conditions:
Joubert syndrome. Also called: CEREBELLOPARENCHYMAL DISORDER IV; JOUBERT-BOLTSHAUSER SYNDROME; Familial aplasia of the vermis. Identifiers: Orphanet 475, MedGen C5979921, MONDO:0018772.
Meckel-Gruber syndrome. Also called: DYSENCEPHALIA SPLANCHNOCYSTICA; GRUBER SYNDROME; Dysencephalia splachnocystica. Identifiers: Orphanet 564, MedGen C0265215, MONDO:0018921.

Submission:

Labcorp Genetics (formerly Invitae), Labcorp
Classification: Likely pathogenic for Joubert syndrome; Meckel-Gruber syndrome. Last evaluated: 2023-12-01. Review status: criteria provided, single submitter. Criteria: Invitae Variant Classification Sherloc (09022015). Collection method: clinical testing. Allele origin: germline.
Comment: This sequence change affects an acceptor splice site in intron 16 of the TMEM67 gene. It is expected to disrupt RNA splicing. Variants that disrupt the donor or acceptor splice site typically lead to a loss of protein function (PMID: 16199547), and loss-of-function variants in TMEM67 are known to be pathogenic (PMID: 20232449, 23559409). This variant is not present in population databases (gnomAD no frequency). This variant has not been reported in the literature in individuals affected with TMEM67-related conditions. Algorithms developed to predict the effect of sequence changes on RNA splicing suggest that this variant may disrupt the consensus splice site. In summary, the currently available evidence indicates that the variant is pathogenic, but additional data are needed to prove that conclusively. Therefore, this variant has been classified as Likely Pathogenic.

Literature cited by the submitters: PubMed 16199547; PubMed 20232449; PubMed 23559409.

NM_153704.6(TMEM67):c.1675-1G>T

Gene: TMEM67 (transmembrane protein 67; plus strand). Cytogenetic location: 8q22.1.
Variant type: single nucleotide variant.
Coding change: c.1675-1G>T on transcript NM_153704.6 (MANE Select); the canonical splice acceptor site of the intron before coding-DNA position 1675, G replaced by T.
Molecular consequence: splice acceptor variant.
Genome position (GRCh38, 1-based): chr8:93,795,408, G>T. VCF-style: chr8-93795408-G-T. GRCh37 (hg19) VCF-style: chr8-94807636-G-T.
Other names: c.1432-1G>T (NM_001142301.1).
Identifiers: ClinVar variation 2950199 (VCV002950199.3), dbSNP rs2536896446, ClinGen allele CA371692100.
Genomic context (GRCh38, chr8:93,795,408, plus strand): 5'-TACTAAAAGTGGTATATACATGGAGTCTTAAACAGCTGTAATTCTTTTTTTTAAATTGCA[G>T]ACAGTTGTGAAATTCTTGGTGTACTATGCTGGTGATCTGGCCAATGTTTTCTTTATCATC-3'